The following is an entry in ClinVar:

ClinVar aggregate classification (germline): Likely benign. Review status: criteria provided, multiple submitters, no conflicts (2 of 4 stars). 2 submissions from 2 submitters: Likely benign (2). Last evaluated 2024-04-04.

Allele frequency attached by ClinVar (database versions not stated): gnomAD exomes below 0.00001 and 0.00002; gnomAD 0.00001 and 0.00002; ExAC 0.00002; TOPMed 0.00005; 1000 Genomes Project 0.00020; 1000 Genomes Project 30x 0.00031.
gnomAD v4.1: 7 of 1,610,290 alleles (0.00043%); highest among the groups gnomAD compares: African/African-American, 0.0067%; no homozygotes.

Submissions (2):

Women's Health and Genetics/Laboratory Corporation of America, LabCorp
Classification: Likely benign. Last evaluated: 2024-04-04. Review status: criteria provided, single submitter. Criteria: LabCorp Variant Classification Summary - May 2015. Collection method: clinical testing. Allele origin: germline.
Comment: Variant summary: GSDME c.1257+20G>T alters a non-conserved nucleotide located at a position not widely known to affect splicing. Consensus agreement among computation tools predict no significant impact on normal splicing. However, these predictions have yet to be confirmed by functional studies. The variant was absent in 251450 control chromosomes. The available data on variant occurrences in the general population are insufficient to allow any conclusion about variant significance. To our knowledge, no occurrence of c.1257+20G>T in individuals affected with Autosomal Dominant Nonsyndromic Hearing Loss 5 and no experimental evidence demonstrating its impact on protein function have been reported. ClinVar contains an entry for this variant (Variation ID: 1680824). Based on the evidence outlined above, the variant was classified as likely benign.

Labcorp Genetics (formerly Invitae), Labcorp
Classification: Likely benign. Last evaluated: 2023-07-17. Review status: criteria provided, single submitter. Criteria: Invitae Variant Classification Sherloc (09022015). Collection method: clinical testing. Allele origin: germline.

NM_001127453.2(GSDME):c.1257+20G>T

Gene: GSDME (gasdermin E; minus strand). Cytogenetic location: 7p15.3.
Variant type: single nucleotide variant.
Coding change: c.1257+20G>T on transcript NM_001127453.2 (MANE Select); 20 bases into the intron after coding-DNA position 1257, G replaced by T.
Molecular consequence: intron variant.
Genome position (GRCh38, 1-based): chr7:24,702,740, C>A on the plus strand (G>T on the coding strand, the complement: GSDME is on the minus strand). VCF-style: chr7-24702740-C-A. GRCh37 (hg19) VCF-style: chr7-24742359-C-A.
Other names: c.765+20G>T (NM_001127454.2); c.1257+20G>T (NM_004403.3).
Identifiers: ClinVar variation 1680824 (VCV001680824.9), dbSNP rs562789041, ClinGen allele CA4191343.
Genomic context (GRCh38, chr7:24,702,740, plus strand): 5'-TTACCGGCTGCTGGATGTCTACCCCCTCATCATTTCCCCATTCCTATCCATTCTAAGGTC[C>A]CACCTGGGAGGTTGCTTACCAAGTGGCACAGTGTGGGAATGATCTGGAGTTTGCAGCAAG-3'